The following is an entry in ClinVar:

ClinVar aggregate classification (germline): Uncertain significance. Review status: criteria provided, multiple submitters, no conflicts (2 of 4 stars). 2 submissions from 2 submitters: Uncertain significance (2). Last evaluated 2025-11-24.

Conditions:
RASopathy. Also called: Noonan spectrum disorder; rasopathies. Identifiers: Orphanet 536391, MedGen C5555857, MONDO:0021060.
Noonan syndrome 7 (NS7). Also called: BRAF-Related Noonan Syndrome. Identifiers: Orphanet 648, MedGen C3150970, MONDO:0013379, OMIM 613706.

Allele frequency attached by ClinVar (database versions not stated): gnomAD exomes below 0.00001.
gnomAD v4.1: 1 of 1,613,322 alleles (0.000062%); highest among the groups gnomAD compares: Non-Finnish European, 0.000085%; no homozygotes.

Submissions (2):

Labcorp Genetics (formerly Invitae), Labcorp
Classification: Uncertain significance for RASopathy. Last evaluated: 2025-11-24. Review status: criteria provided, single submitter. Criteria: Invitae Variant Classification Sherloc (09022015). Collection method: clinical testing. Allele origin: germline.
Comment: This sequence change replaces leucine, which is neutral and non-polar, with serine, which is neutral and polar, at codon 692 of the BRAF protein (p.Leu692Ser). This variant is present in population databases (rs55715359, gnomAD 0.0009%). This variant has not been reported in the literature in individuals affected with BRAF-related conditions. ClinVar contains an entry for this variant (Variation ID: 2061608). Invitae Evidence Modeling of protein sequence and biophysical properties (such as structural, functional, and spatial information, amino acid conservation, physicochemical variation, residue mobility, and thermodynamic stability) indicates that this missense variant is expected to disrupt BRAF protein function with a positive predictive value of 80%. In summary, the available evidence is currently insufficient to determine the role of this variant in disease. Therefore, it has been classified as a Variant of Uncertain Significance.

St. Jude Molecular Pathology, St. Jude Children's Research Hospital
Classification: Uncertain significance for Noonan syndrome 7. Last evaluated: 2025-02-05. Review status: criteria provided, single submitter. Criteria: St. Jude Assertion Criteria 2020. Collection method: clinical testing. Allele origin: germline.
Comment: The BRAF c.2075T>C (p.Leu692Ser) missense change has a maximum subpopulation frequency of 0.0009% in gnomAD v2.1.1. The in silico tool REVEL predicts a deleterious effect on protein function, but this prediction has not been confirmed by functional studies. This variant has not been reported in individuals with RASopathy conditions. In summary, the evidence currently available is insufficient to determine the clinical significance of this variant. It has therefore been classified as of uncertain significance.?

NM_004333.6(BRAF):c.2075T>C (p.Leu692Ser)

Gene: BRAF (B-Raf proto-oncogene, serine/threonine kinase; minus strand). Cytogenetic location: 7q34.
Variant type: single nucleotide variant.
Coding change: c.2075T>C on transcript NM_004333.6 (MANE Select); coding-DNA position 2075, T replaced by C.
Protein change: p.Leu692Ser; replaces leucine 692 with serine.
Molecular consequence: missense variant.
Genome position (GRCh38, 1-based): chr7:140,739,864, A>G on the plus strand (T>C on the coding strand, the complement: BRAF is on the minus strand). VCF-style: chr7-140739864-A-G. GRCh37 (hg19) VCF-style: chr7-140439664-A-G.
Other names: c.2075T>C, p.Leu692Ser (NM_001354609.2, NM_001378468.1, NM_001378474.1); c.2195T>C, p.Leu732Ser (NM_001374244.1, NM_001374258.1); c.2084T>C, p.Leu695Ser (NM_001378467.1); c.2009T>C, p.Leu670Ser (NM_001378469.1); c.1973T>C, p.Leu658Ser (NM_001378470.1); c.1964T>C, p.Leu655Ser (NM_001378471.1); c.1919T>C, p.Leu640Ser (NM_001378472.1, NM_001378473.1); c.1811T>C, p.Leu604Ser (NM_001378475.1); short protein forms L655S, L732S, L604S, L640S, L670S, L692S, L695S, L658S.
Identifiers: ClinVar variation 2061608 (VCV002061608.5), dbSNP rs55715359, ClinGen allele CA168038097.